The following is an entry in ClinVar:

ClinVar aggregate classification (germline): Uncertain significance (1 of 4 stars; one submission).

Submission:

GeneDx
Classification: Uncertain significance. Last evaluated: 2025-07-23. Review status: criteria provided, single submitter. Criteria: GeneDx Variant Classification Process June 2021. Collection method: clinical testing. Allele origin: germline. Affected: yes.
Comment: Not observed at significant frequency in large population cohorts (gnomAD); In silico analysis supports that this missense variant has a deleterious effect on protein structure/function; Has not been previously published as pathogenic or benign to our knowledge

NM_004415.4(DSP):c.3074A>G (p.Glu1025Gly)

Gene: DSP (desmoplakin; plus strand). Cytogenetic location: 6p24.3.
Variant type: single nucleotide variant.
Coding change: c.3074A>G on transcript NM_004415.4 (MANE Select); coding-DNA position 3074, A replaced by G.
Protein change: p.Glu1025Gly; replaces glutamic acid 1025 with glycine.
Molecular consequence: missense variant.
Genome position (GRCh38, 1-based): chr6:7,578,552, A>G. VCF-style: chr6-7578552-A-G. GRCh37 (hg19) VCF-style: chr6-7578785-A-G.
Other names: c.3074A>G, p.Glu1025Gly (NM_001008844.3, NM_001319034.2); short protein forms E1025G.
Identifiers: ClinVar variation 4686862 (VCV004686862.1).